The following is an entry in ClinVar:

ClinVar aggregate classification (germline): Uncertain significance (1 of 4 stars; one submission).

gnomAD v4.1: 6 of 1,517,438 alleles (0.0004%); highest among the groups gnomAD compares: South Asian, 0.0074%; no homozygotes.

Submission:

Ambry Genetics
Classification: Uncertain significance. Last evaluated: 2025-12-12. Review status: criteria provided, single submitter. Criteria: Ambry Variant Classification Scheme 2023. Collection method: clinical testing. Allele origin: germline.
Comment: The p.E95Q variant (also known as c.283G>C), located in coding exon 1 of the GALNT12 gene, results from a G to C substitution at nucleotide position 283. The glutamic acid at codon 95 is replaced by glutamine, an amino acid with highly similar properties. This amino acid position is conserved. In addition, this alteration is predicted to be tolerated by in silico analysis. Based on the available evidence, the clinical significance of this variant remains unclear.

NM_024642.5(GALNT12):c.283G>C (p.Glu95Gln)

Gene: GALNT12 (polypeptide N-acetylgalactosaminyltransferase 12; plus strand). Cytogenetic location: 9q22.33.
Variant type: single nucleotide variant.
Coding change: c.283G>C on transcript NM_024642.5 (MANE Select); coding-DNA position 283, G replaced by C.
Protein change: p.Glu95Gln; replaces glutamic acid 95 with glutamine.
Molecular consequence: missense variant.
Genome position (GRCh38, 1-based): chr9:98,807,981, G>C. VCF-style: chr9-98807981-G-C. GRCh37 (hg19) VCF-style: chr9-101570263-G-C.
Other names: short protein forms E95Q.
Identifiers: ClinVar variation 4670637 (VCV004670637.1).